The following is an entry in ClinVar:

ClinVar aggregate classification (germline): Uncertain significance (1 of 4 stars; one submission).

Submission:

GeneDx
Classification: Uncertain significance. Last evaluated: 2019-03-22. Review status: criteria provided, single submitter. Criteria: GeneDx Variant Classification Process June 2021. Collection method: clinical testing. Allele origin: germline. Affected: yes.
Comment: Has not been previously published as pathogenic or benign to our knowledge; Not observed in large population cohorts (Lek et al., 2016); In silico analysis, which includes protein predictors and evolutionary conservation, supports that this variant does not alter protein structure/function

NM_000426.4(LAMA2):c.898C>T (p.Pro300Ser)

Gene: LAMA2 (laminin subunit alpha 2; plus strand). Cytogenetic location: 6q22.33.
Variant type: single nucleotide variant.
Coding change: c.898C>T on transcript NM_000426.4 (MANE Select); coding-DNA position 898, C replaced by T.
Protein change: p.Pro300Ser; replaces proline 300 with serine.
Molecular consequence: missense variant.
Genome position (GRCh38, 1-based): chr6:129,147,037, C>T. VCF-style: chr6-129147037-C-T. GRCh37 (hg19) VCF-style: chr6-129468182-C-T.
Other names: c.898C>T, p.Pro300Ser (NM_001079823.2); short protein forms P300S.
Identifiers: ClinVar variation 1308227 (VCV001308227.2), dbSNP rs2114964188, ClinGen allele CA365606439.